The following is an entry in ClinVar:

ClinVar aggregate classification (germline): Uncertain significance (1 of 4 stars; one submission).

Conditions:
Hereditary cancer-predisposing syndrome. Also called: Neoplastic Syndromes, Hereditary; Tumor predisposition; Hereditary Cancer Syndrome; Hereditary neoplastic syndrome. Identifiers: Orphanet 140162, MedGen C0027672, MeSH D009386, MONDO:0015356.

Submission:

Ambry Genetics
Classification: Uncertain significance for Hereditary cancer-predisposing syndrome. Last evaluated: 2024-09-16. Review status: criteria provided, single submitter. Criteria: Ambry Variant Classification Scheme 2023. Collection method: clinical testing. Allele origin: germline.
Comment: The p.K412T variant (also known as c.1235A>C), located in coding exon 11 of the PMS2 gene, results from an A to C substitution at nucleotide position 1235. The lysine at codon 412 is replaced by threonine, an amino acid with similar properties. This amino acid position is conserved. In addition, this alteration is predicted to be tolerated by in silico analysis. Based on the available evidence, the clinical significance of this variant remains unclear.

NM_000535.7(PMS2):c.1235A>C (p.Lys412Thr)

Gene: PMS2 (PMS1 homolog 2, mismatch repair system component; minus strand). Cytogenetic location: 7p22.1.
Variant type: single nucleotide variant.
Coding change: c.1235A>C on transcript NM_000535.7 (MANE Select); coding-DNA position 1235, A replaced by C.
Protein change: p.Lys412Thr; replaces lysine 412 with threonine.
Molecular consequence: missense variant. On other transcripts: non-coding transcript variant (1), intron variant (1).
Genome position (GRCh38, 1-based): chr7:5,987,530, T>G on the plus strand (A>C on the coding strand, the complement: PMS2 is on the minus strand). VCF-style: chr7-5987530-T-G. GRCh37 (hg19) VCF-style: chr7-6027161-T-G.
Other names: c.830A>C, p.Lys277Thr (NM_001322003.2, NM_001322004.2, NM_001322005.2 and 16 more transcripts); c.1079A>C, p.Lys360Thr (NM_001322006.2, NM_001406870.1); c.917A>C, p.Lys306Thr (NM_001322007.2, NM_001322008.2, NM_001406876.1 and 2 more transcripts); c.674A>C, p.Lys225Thr (NM_001322010.2, NM_001406906.1, NM_001406907.1); c.302A>C, p.Lys101Thr (NM_001322011.2, NM_001322012.2); c.662A>C, p.Lys221Thr (NM_001322013.2, NM_001406909.1); c.1235A>C, p.Lys412Thr (NM_001322014.2, NM_001406871.1, NM_001406872.1); c.926A>C, p.Lys309Thr (NM_001322015.2, NM_001406875.1, NM_001406877.1 and 5 more transcripts); and 13 more; short protein forms K254T, K300T, K304T, K306T, K221T, K225T, K309T, K376T.
Identifiers: ClinVar variation 3421506 (VCV003421506.1).